The following is an entry in ClinVar:

ClinVar aggregate classification (germline): Uncertain significance (1 of 4 stars; one submission).

Conditions:
Hemolytic anemia due to glucophosphate isomerase deficiency (CNSHA4). Also called: ANEMIA, CONGENITAL, NONSPHEROCYTIC HEMOLYTIC, 4. Identifiers: Orphanet 712, MedGen C0272064, MONDO:0013275, OMIM 613470.

Allele frequency attached by ClinVar (database versions not stated): gnomAD 0.00005 and 0.00003; gnomAD exomes 0.00006 and 0.00011; 1000 Genomes Project 0.00060; TOPMed 0.00004; ExAC 0.00009; 1000 Genomes Project 30x 0.00047.
gnomAD v4.1: 89 of 1,564,382 alleles (0.0057%); highest among the groups gnomAD compares: South Asian, 0.079%; no homozygotes.

Submissions (2):

ARUP Laboratories, Molecular Genetics and Genomics, ARUP Laboratories
Classification: Uncertain significance for Hemolytic anemia due to glucophosphate isomerase deficiency. Last evaluated: 2025-06-04. Review status: criteria provided, single submitter. Criteria: ARUP Molecular Germline Variant Investigation Process 2024. Collection method: clinical testing. Allele origin: germline.
Comment: The GPI c.-7-2A>G variant (rs552574934), to our knowledge, is not reported in the medical literature or gene specific databases. This variant is found predominantly in the South Asian population with an allele frequency of 0.07% (20/26964 alleles) in the Genome Aggregation Database (v2.1.1). In the canonical GPI transcript (NM_000175.5), this variant occurs in the 5' untranslated region and does not create a novel protein translation start codon. This variant however disrupts the canonical splice acceptor site of intron 1 (c.111-2A>G) in an alternative transcript (NM_001184722.1), but any association with disease is unknown. Based on available information, the clinical significance of this variant is unknown.

Dr. Peter K. Rogan Lab, Western University
No classification provided (evidence only). Condition: Ovarian serous cystadenocarcinoma. Review status: no classification provided. Collection method: in vitro. Allele origin: not applicable. Functional consequence: retained intron. Not counted in ClinVar's aggregate classification.

NM_000175.5(GPI):c.-9A>G

Gene: GPI (glucose-6-phosphate isomerase; plus strand). Cytogenetic location: 19q13.11.
Variant type: single nucleotide variant.
Coding change: c.-9A>G on transcript NM_000175.5 (MANE Select); 9 bases upstream of the start codon, A replaced by G.
Molecular consequence: 5 prime UTR variant. On other transcripts: splice acceptor variant (4).
Genome position (GRCh38, 1-based): chr19:34,365,258, A>G. VCF-style: chr19-34365258-A-G. GRCh37 (hg19) VCF-style: chr19-34856163-A-G.
Other names: c.-9A>G (NM_001289790.3, NM_001329911.2); c.111-2A>G (NM_001289789.1, NM_001184722.1); c.-7-2A>G (NM_001329909.1, NM_001329910.1).
Identifiers: ClinVar variation 993840 (VCV000993840.12), dbSNP rs552574934, ClinGen allele CA9366761.
Genomic context (GRCh38, chr19:34,365,258, plus strand): 5'-TTGCTGCGCGCTGCCGGCGCTCCTTCCTCCTCGGCTCGCGTCTCACTCAGTGTACCTTCT[A>G]GTCCCGCCATGGCCGCTCTCACCCGGGACCCCCAGTTCCAGAAGCTGCAGCAATGGTACC-3'